The following is an entry in ClinVar:

NM_206933.4(USH2A):c.7494T>A (p.Ser2498Arg)

Gene: USH2A (usherin; minus strand). Cytogenetic location: 1q41.
Variant type: single nucleotide variant.
Coding change: c.7494T>A on transcript NM_206933.4 (MANE Select); coding-DNA position 7494, T replaced by A.
Protein change: p.Ser2498Arg; replaces serine 2498 with arginine.
Molecular consequence: missense variant.
Genome position (GRCh38, 1-based): chr1:215,900,175, A>T on the plus strand (T>A on the coding strand, the complement: USH2A is on the minus strand). VCF-style: chr1-215900175-A-T. GRCh37 (hg19) VCF-style: chr1-216073517-A-T.
Other names: short protein forms S2498R.
Identifiers: ClinVar variation 228223 (VCV000228223.19), dbSNP rs760977747, ClinGen allele CA1394821.

ClinVar aggregate classification (germline): Conflicting classifications of pathogenicity. Review status: criteria provided, conflicting classifications (1 of 4 stars). 7 submissions from 7 submitters: Uncertain significance (3); Likely benign (2). 2 of the submissions do not count toward it. Last evaluated 2024-08-29.

Conditions:
Retinitis pigmentosa 39 (RP39). Identifiers: Orphanet 791, MedGen C3151138, MONDO:0013436, OMIM 613809.
Usher syndrome type 2A. Also called: RETINAL DISEASE IN USHER SYNDROME TYPE IIA, MODIFIER OF; USHER SYNDROME, TYPE IIA. Identifiers: Orphanet 231178, Orphanet 886, MedGen C1848634, MONDO:0010169, OMIM 276901.
Inborn genetic diseases. Identifiers: MedGen C0950123, MeSH D030342.

Allele frequency attached by ClinVar (database versions not stated): ExAC 0.00003; gnomAD 0.00003 and 0.00004; gnomAD exomes 0.00003 and 0.00008; TOPMed 0.00006.
gnomAD v4.1: 123 of 1,613,100 alleles (0.0076%); highest among the groups gnomAD compares: Non-Finnish European, 0.01%; no homozygotes.

Submissions (7):

Blueprint Genetics
Classification: Uncertain significance. Last evaluated: 2024-08-29. Review status: criteria provided, single submitter. Criteria: ACMG Guidelines, 2015. Collection method: clinical testing. Allele origin: germline.

Labcorp Genetics (formerly Invitae), Labcorp
Classification: Uncertain significance. Last evaluated: 2022-07-21. Review status: criteria provided, single submitter. Criteria: Invitae Variant Classification Sherloc (09022015). Collection method: clinical testing. Allele origin: germline.
Comment: This sequence change replaces serine, which is neutral and polar, with arginine, which is basic and polar, at codon 2498 of the USH2A protein (p.Ser2498Arg). This variant is present in population databases (rs760977747, gnomAD 0.007%). This variant has not been reported in the literature in individuals affected with USH2A-related conditions. ClinVar contains an entry for this variant (Variation ID: 228223). Algorithms developed to predict the effect of missense changes on protein structure and function output the following: SIFT: "Tolerated"; PolyPhen-2: "Benign"; Align-GVGD: "Class C0". The arginine amino acid residue is found in multiple mammalian species, which suggests that this missense change does not adversely affect protein function. In summary, the available evidence is currently insufficient to determine the role of this variant in disease. Therefore, it has been classified as a Variant of Uncertain Significance.

Ambry Genetics
Classification: Likely benign for Inborn genetic diseases. Last evaluated: 2022-02-10. Review status: criteria provided, single submitter. Criteria: Ambry Variant Classification Scheme 2023. Collection method: clinical testing. Allele origin: germline.

ARUP Laboratories, Molecular Genetics and Genomics, ARUP Laboratories
Classification: Uncertain significance. Last evaluated: 2019-08-26. Review status: criteria provided, single submitter. Criteria: ARUP Molecular Germline Variant Investigation Process. Collection method: clinical testing. Allele origin: germline.
Comment: The USH2A c.7494T>A; p.Ser2498Arg variant (rs760977747), to our knowledge, is not reported in the medical literature or gene-specific databases. The variant is reported in the ClinVar database (Variation ID: 228223) and is listed in the general population with an overall allele frequency of 0.003% (8/250,694 alleles) in the Genome Aggregation Database. The serine at this position is weakly conserved, with several other mammalian species with arginine at this position, and computational algorithms (PolyPhen-2, SIFT) predict this variant is tolerated. However, given the lack of clinical and functional data, the significance of the p.Ser2498Arg variant is uncertain at this time.

Laboratory for Molecular Medicine, Mass General Brigham Personalized Medicine
Classification: Likely benign. Last evaluated: 2015-04-21. Review status: criteria provided, single submitter. Criteria: LMM Criteria. Collection method: clinical testing. Allele origin: germline. Observed: 1 variant allele.
Comment: p.Ser2498Arg in exon 40 of USH2A: This variant is not expected to have clinical significance due to a lack of conservation across species, including mammals. Of note, >35 mammalian species have an arginine (Arg) at this position despite hig h nearby amino acid conservation. In addition, computational prediction tools do not suggest a high likelihood of impact to the protein. It has also been identi fied in 4/66556 European chromosomes by the Exome Aggregation Consortium (ExAC).

Natera, Inc.
Classification: Uncertain significance for Usher syndrome type 2A. Last evaluated: 2020-01-17. Review status: no assertion criteria provided. Collection method: clinical testing. Allele origin: germline. Not counted in ClinVar's aggregate classification.

Counsyl
Classification: Uncertain significance for Usher syndrome type 2A; Retinitis pigmentosa 39. Last evaluated: 2017-05-01. Review status: no assertion criteria provided. Collection method: clinical testing. Allele origin: unknown. Not counted in ClinVar's aggregate classification.